The following is an entry in ClinVar:

ClinVar aggregate classification (germline): Uncertain significance (1 of 4 stars; one submission).

Conditions:
Immunodeficiency 132A. Also called: Herpes simplex encephalitis, susceptibility to, 3. Identifiers: Orphanet 1930, MedGen C3553868, MONDO:0013920, OMIM 614849.

Allele frequency attached by ClinVar (database versions not stated): TOPMed below 0.00001.

Submission:

Labcorp Genetics (formerly Invitae), Labcorp
Classification: Uncertain significance for Immunodeficiency 132A. Last evaluated: 2022-02-05. Review status: criteria provided, single submitter. Criteria: Invitae Variant Classification Sherloc (09022015). Collection method: clinical testing. Allele origin: germline.
Comment: In summary, the available evidence is currently insufficient to determine the role of this variant in disease. Therefore, it has been classified as a Variant of Uncertain Significance. Algorithms developed to predict the effect of missense changes on protein structure and function are either unavailable or do not agree on the potential impact of this missense change (SIFT: "Deleterious"; PolyPhen-2: "Possibly Damaging"; Align-GVGD: "Class C0"). ClinVar contains an entry for this variant (Variation ID: 1007850). This variant has not been reported in the literature in individuals affected with TRAF3-related conditions. This variant is not present in population databases (gnomAD no frequency). This sequence change replaces methionine, which is neutral and non-polar, with isoleucine, which is neutral and non-polar, at codon 465 of the TRAF3 protein (p.Met465Ile).

NM_145725.3(TRAF3):c.1395G>A (p.Met465Ile)

Gene: TRAF3 (TNF receptor associated factor 3; plus strand). Cytogenetic location: 14q32.32.
Variant type: single nucleotide variant.
Coding change: c.1395G>A on transcript NM_145725.3 (MANE Select); coding-DNA position 1395, G replaced by A.
Protein change: p.Met465Ile; replaces methionine 465 with isoleucine.
Molecular consequence: missense variant.
Genome position (GRCh38, 1-based): chr14:102,905,472, G>A. VCF-style: chr14-102905472-G-A. GRCh37 (hg19) VCF-style: chr14-103371809-G-A.
Other names: c.1146G>A, p.Met382Ile (NM_001199427.2); c.1254G>A, p.Met418Ile (NM_001385142.1); c.1314G>A, p.Met438Ile (NM_001385143.1); c.1395G>A, p.Met465Ile (NM_003300.4); c.1320G>A, p.Met440Ile (NM_145726.3); short protein forms M382I, M418I, M438I, M440I, M465I.
Identifiers: ClinVar variation 1007850 (VCV001007850.9), dbSNP rs1271778456, ClinGen allele CA391076750.
Genomic context (GRCh38, chr14:102,905,472, plus strand): 5'-CTACACTGGTTACTTTGGCTATAAGATGTGTGCCAGGGTCTACCTGAACGGGGACGGGAT[G>A]GGGAAGGGGACGCACTTGTCGCTGTTTTTTGTCATCATGCGTGGAGAATATGATGCCCTG-3'
Protein context (NP_663777.1, residues 455-475): CARVYLNGDG[Met465Ile]GKGTHLSLFF